The following is an entry in ClinVar:

ClinVar aggregate classification (germline): Likely benign (1 of 4 stars; one submission).

Conditions:
NPHP1-related disorder. Also called: NPHP1-related disorders; NPHP1-related condition.

Submission:

PreventionGenetics, part of Exact Sciences
Classification: Likely benign for NPHP1-related condition. Last evaluated: 2024-11-15. Review status: criteria provided, single submitter. Criteria: ACMG Guidelines, 2015. Collection method: clinical testing. Allele origin: germline.
Comment: This variant is classified as likely benign based on ACMG/AMP sequence variant interpretation guidelines (Richards et al. 2015 PMID: 25741868, with internal and published modifications).

NM_001128178.3(NPHP1):c.342T>C (p.Pro114=)

Gene: NPHP1 (nephrocystin 1; minus strand). Cytogenetic location: 2q13.
Variant type: single nucleotide variant.
Coding change: c.342T>C on transcript NM_001128178.3 (MANE Select); coding-DNA position 342, T replaced by C.
Protein change: p.Pro114=; no amino-acid change (proline 114 retained).
Molecular consequence: synonymous variant.
Genome position (GRCh38, 1-based): chr2:110,169,986, A>G on the plus strand (T>C on the coding strand, the complement: NPHP1 is on the minus strand). VCF-style: chr2-110169986-A-G. GRCh37 (hg19) VCF-style: chr2-110927563-A-G.
Other names: c.342T>C, p.Pro114= (NM_000272.5, NM_001374256.1, NM_001374257.1 and 1 more transcripts); c.156T>C, p.Pro52= (NM_001128179.3).
Identifiers: ClinVar variation 4997450 (VCV004997450.1).
Genomic context (GRCh38, chr2:110,169,986, plus strand): 5'-TTCTTCCTCCCCACCACTGTCTTCACTATCTTCACTTTCACTTTCTTCCTCTTCTTCAGT[A>G]GGTGCCCCAACTCTACAAAAAGTGTTTCTGAGTAGGACTACTTGAAATAATATACAAGAA-3'
Protein context (NP_001121650.1, residues 104-124): SRENITEVGA[Pro114=]TEEEEESESE